The following is an entry in ClinVar:

NM_025103.4(IFT74):c.1525T>C (p.Ser509Pro)

Gene: IFT74 (intraflagellar transport 74; plus strand). Cytogenetic location: 9p21.2.
Variant type: single nucleotide variant.
Coding change: c.1525T>C on transcript NM_025103.4 (MANE Select); coding-DNA position 1525, T replaced by C.
Protein change: p.Ser509Pro; replaces serine 509 with proline.
Molecular consequence: missense variant.
Genome position (GRCh38, 1-based): chr9:27,056,361, T>C. VCF-style: chr9-27056361-T-C. GRCh37 (hg19) VCF-style: chr9-27056359-T-C.
Other names: c.1525T>C, p.Ser509Pro (NM_001099222.3, NM_001099223.3, NM_001349928.2); short protein forms S509P.
Identifiers: ClinVar variation 2017215 (VCV002017215.4), dbSNP rs1295221589, ClinGen allele CA373128665.

ClinVar aggregate classification (germline): Uncertain significance (1 of 4 stars; one submission).

Allele frequency attached by ClinVar (database versions not stated): TOPMed below 0.00001; gnomAD 0.00001.
gnomAD v4.1: 1 of 1,589,924 alleles (0.000063%); highest among the groups gnomAD compares: African/African-American, 0.0013%; no homozygotes.

Submission:

Labcorp Genetics (formerly Invitae), Labcorp
Classification: Uncertain significance. Last evaluated: 2022-07-25. Review status: criteria provided, single submitter. Criteria: Invitae Variant Classification Sherloc (09022015). Collection method: clinical testing. Allele origin: germline.
Comment: In summary, the available evidence is currently insufficient to determine the role of this variant in disease. Therefore, it has been classified as a Variant of Uncertain Significance. Algorithms developed to predict the effect of missense changes on protein structure and function are either unavailable or do not agree on the potential impact of this missense change (SIFT: "Deleterious"; PolyPhen-2: "Possibly Damaging"; Align-GVGD: "Class C0"). This variant has not been reported in the literature in individuals affected with IFT74-related conditions. This variant is not present in population databases (gnomAD no frequency). This sequence change replaces serine, which is neutral and polar, with proline, which is neutral and non-polar, at codon 509 of the IFT74 protein (p.Ser509Pro).